The following is an entry in ClinVar:

NM_199355.4(ADAMTS18):c.2749A>G (p.Thr917Ala)

Gene: ADAMTS18 (ADAM metallopeptidase with thrombospondin type 1 motif 18; minus strand). Cytogenetic location: 16q23.1.
Variant type: single nucleotide variant.
Coding change: c.2749A>G on transcript NM_199355.4 (MANE Select); coding-DNA position 2749, A replaced by G.
Protein change: p.Thr917Ala; replaces threonine 917 with alanine.
Molecular consequence: missense variant.
Genome position (GRCh38, 1-based): chr16:77,297,341, T>C on the plus strand (A>G on the coding strand, the complement: ADAMTS18 is on the minus strand). VCF-style: chr16-77297341-T-C. GRCh37 (hg19) VCF-style: chr16-77331238-T-C.
Other names: c.2233A>G, p.Thr745Ala (NM_001326358.2); short protein forms T745A, T917A.
Identifiers: ClinVar variation 2114318 (VCV002114318.4), dbSNP rs775345773, ClinGen allele CA396834177.
Genomic context (GRCh38, chr16:77,297,341, plus strand): 5'-TGACTTACTAAGCCGGGCAGGAGAAAGCGTTGCAGATTTTGGGCTCAGTTACTGGCTTGG[T>C]TTTTGCACTGCAGAATGAGGAATTGACTTGAGTATTTTGATCTCGCAAGCAAATGGCCTT-3'
Protein context (NP_955387.1, residues 907-927): QVNSSFCSAK[Thr917Ala]KPVTEPKICN

ClinVar aggregate classification (germline): Uncertain significance (1 of 4 stars; one submission).

gnomAD v4.1: 6 of 1,613,974 alleles (0.00037%); highest among the groups gnomAD compares: African/African-American, 0.0027%; no homozygotes.

Submission:

Labcorp Genetics (formerly Invitae), Labcorp
Classification: Uncertain significance. Last evaluated: 2022-10-17. Review status: criteria provided, single submitter. Criteria: Invitae Variant Classification Sherloc (09022015). Collection method: clinical testing. Allele origin: germline.
Comment: In summary, the available evidence is currently insufficient to determine the role of this variant in disease. Therefore, it has been classified as a Variant of Uncertain Significance. Algorithms developed to predict the effect of missense changes on protein structure and function output the following: SIFT: "Not Available"; PolyPhen-2: "Benign"; Align-GVGD: "Not Available". The alanine amino acid residue is found in multiple mammalian species, which suggests that this missense change does not adversely affect protein function. This variant has not been reported in the literature in individuals affected with ADAMTS18-related conditions. This variant is not present in population databases (gnomAD no frequency). This sequence change replaces threonine, which is neutral and polar, with alanine, which is neutral and non-polar, at codon 917 of the ADAMTS18 protein (p.Thr917Ala).